The following is an entry in ClinVar:

NM_005560.6(LAMA5):c.6300C>T (p.Arg2100=)

Gene: LAMA5 (laminin subunit alpha 5; minus strand). Cytogenetic location: 20q13.33.
Variant type: single nucleotide variant.
Coding change: c.6300C>T on transcript NM_005560.6 (MANE Select); coding-DNA position 6300, C replaced by T.
Protein change: p.Arg2100=; no amino-acid change (arginine 2100 retained).
Molecular consequence: synonymous variant.
Genome position (GRCh38, 1-based): chr20:62,322,315, G>A on the plus strand (C>T on the coding strand, the complement: LAMA5 is on the minus strand). VCF-style: chr20-62322315-G-A. GRCh37 (hg19) VCF-style: chr20-60897371-G-A.
Identifiers: ClinVar variation 2049968 (VCV002049968.2), dbSNP rs372466741, ClinGen allele CA9941817.

ClinVar aggregate classification (germline): Uncertain significance (1 of 4 stars; one submission).

Allele frequency attached by ClinVar (database versions not stated): gnomAD 0.00015; gnomAD exomes 0.00016; TOPMed 0.00020; ESP Exome Variant Server 0.00023; ExAC 0.00055.
gnomAD v4.1: 255 of 1,600,322 alleles (0.016%); highest among the groups gnomAD compares: Non-Finnish European, 0.018%; 1 homozygote.

Submission:

Labcorp Genetics (formerly Invitae), Labcorp
Classification: Uncertain significance. Last evaluated: 2023-11-27. Review status: criteria provided, single submitter. Criteria: Invitae Variant Classification Sherloc (09022015). Collection method: clinical testing. Allele origin: germline.
Comment: This sequence change affects codon 2100 of the LAMA5 mRNA. It is a 'silent' change, meaning that it does not change the encoded amino acid sequence of the LAMA5 protein. This variant is present in population databases (rs372466741, gnomAD 0.04%). This variant has not been reported in the literature in individuals affected with LAMA5-related conditions. ClinVar contains an entry for this variant (Variation ID: 2049968). Algorithms developed to predict the effect of sequence changes on RNA splicing suggest that this variant may disrupt the consensus splice site. In summary, the available evidence is currently insufficient to determine the role of this variant in disease. Therefore, it has been classified as a Variant of Uncertain Significance.